The following is an entry in ClinVar:

ClinVar aggregate classification (germline): Uncertain significance. Review status: criteria provided, multiple submitters, no conflicts (2 of 4 stars). 2 submissions from 2 submitters: Uncertain significance (2). Last evaluated 2025-11-11.

Allele frequency attached by ClinVar (database versions not stated): ExAC 0.00012; gnomAD 0.00023; TOPMed 0.00029; ESP Exome Variant Server 0.00031; gnomAD exomes 0.00043.
gnomAD v4.1: 648 of 1,605,074 alleles (0.04%); highest among the groups gnomAD compares: Non-Finnish European, 0.054%; no homozygotes.

Submissions (2):

Labcorp Genetics (formerly Invitae), Labcorp
Classification: Uncertain significance. Last evaluated: 2025-11-11. Review status: criteria provided, single submitter. Criteria: Invitae Variant Classification Sherloc (09022015). Collection method: clinical testing. Allele origin: germline.
Comment: This sequence change replaces isoleucine, which is neutral and non-polar, with threonine, which is neutral and polar, at codon 151 of the CD96 protein (p.Ile151Thr). This variant is present in population databases (rs147832650, gnomAD 0.03%). This variant has not been reported in the literature in individuals affected with CD96-related conditions. ClinVar contains an entry for this variant (Variation ID: 2382179). Invitae Evidence Modeling of protein sequence and biophysical properties (such as structural, functional, and spatial information, amino acid conservation, physicochemical variation, residue mobility, and thermodynamic stability) indicates that this missense variant is expected to disrupt CD96 protein function with a positive predictive value of 80%. In summary, the available evidence is currently insufficient to determine the role of this variant in disease. Therefore, it has been classified as a Variant of Uncertain Significance.

Ambry Genetics
Classification: Uncertain significance. Last evaluated: 2024-07-31. Review status: criteria provided, single submitter. Criteria: Ambry Variant Classification Scheme 2023. Collection method: clinical testing. Allele origin: germline.

NM_005816.5(CD96):c.452T>C (p.Ile151Thr)

Gene: CD96 (CD96 molecule; plus strand). Cytogenetic location: 3q13.13.
Variant type: single nucleotide variant.
Coding change: c.452T>C on transcript NM_005816.5 (MANE Select); coding-DNA position 452, T replaced by C.
Protein change: p.Ile151Thr; replaces isoleucine 151 with threonine.
Molecular consequence: missense variant. On other transcripts: non-coding transcript variant (1).
Genome position (GRCh38, 1-based): chr3:111,567,556, T>C. VCF-style: chr3-111567556-T-C. GRCh37 (hg19) VCF-style: chr3-111286403-T-C.
Other names: c.452T>C, p.Ile151Thr (NM_001318889.2, NM_001410800.1, NM_198196.3); short protein forms I151T.
Identifiers: ClinVar variation 2382179 (VCV002382179.4), dbSNP rs147832650, ClinGen allele CA2534180.